The following is an entry in ClinVar:

ClinVar aggregate classification (germline): Uncertain significance (1 of 4 stars; one submission).

Submission:

Women's Health and Genetics/Laboratory Corporation of America, LabCorp
Classification: Uncertain significance. Last evaluated: 2025-12-02. Review status: criteria provided, single submitter. Criteria: LabCorp Variant Classification Summary - May 2015. Collection method: clinical testing. Allele origin: germline.
Comment: Variant summary: RYR1 c.1433A>C (p.Gln478Pro) results in a non-conservative amino acid change in the encoded protein sequence. Algorithms developed to predict the effect of missense changes on protein structure and function all suggest that this variant is likely to be disruptive. The variant was absent in 247298 control chromosomes. The available data on variant occurrences in the general population are insufficient to allow any conclusion about variant significance. To our knowledge, no occurrence of c.1433A>C in individuals affected with RYR1-related conditions and no experimental evidence demonstrating its impact on protein function have been reported. No submitters have cited clinical-significance assessments for this variant to ClinVar. Based on the evidence outlined above, the variant was classified as uncertain significance.

NM_000540.3(RYR1):c.1433A>C (p.Gln478Pro)

Gene: RYR1 (ryanodine receptor 1; plus strand). Cytogenetic location: 19q13.2.
Variant type: single nucleotide variant.
Coding change: c.1433A>C on transcript NM_000540.3 (MANE Select); coding-DNA position 1433, A replaced by C.
Protein change: p.Gln478Pro; replaces glutamine 478 with proline.
Molecular consequence: missense variant.
Genome position (GRCh38, 1-based): chr19:38,453,007, A>C. VCF-style: chr19-38453007-A-C. GRCh37 (hg19) VCF-style: chr19-38943647-A-C.
Other names: c.1433A>C, p.Gln478Pro (NM_001042723.2); short protein forms Q478P.
Identifiers: ClinVar variation 4688649 (VCV004688649.1).